The following is an entry in ClinVar:

NM_033225.6(CSMD1):c.1344+31812G>A

Gene: CSMD1 (CUB and Sushi multiple domains 1; minus strand). Cytogenetic location: 8p23.2.
Variant type: single nucleotide variant.
Coding change: c.1344+31812G>A on transcript NM_033225.6 (MANE Select); 31812 bases into the intron after coding-DNA position 1344, G replaced by A.
Molecular consequence: intron variant.
Genome position (GRCh38, 1-based): chr8:3,543,133, C>T on the plus strand (G>A on the coding strand, the complement: CSMD1 is on the minus strand). VCF-style: chr8-3543133-C-T. GRCh37 (hg19) VCF-style: chr8-3400655-C-T.
Identifiers: ClinVar variation 4819129 (VCV004819129.1).

ClinVar aggregate classification (germline): Uncertain significance (1 of 4 stars; one submission).

Conditions:
CSMD1-associated neurodevelopmental disorder.

gnomAD v4.1: 109 of 152,240 alleles (0.072%); highest among the groups gnomAD compares: Non-Finnish European, 0.084%; no homozygotes.

Submission:

Institute of Human Genetics, University of Leipzig Medical Center
Classification: Uncertain significance for CSMD1-associated neurodevelopmental disorder. Last evaluated: 2026-02-23. Review status: criteria provided, single submitter. Criteria: ACMG Guidelines, 2015. Collection method: clinical testing. Allele origin: paternal. Inheritance: Autosomal recessive inheritance. Affected: yes.
Comment: Criteria applied: PM2,PM3,PP3

Literature cited by the submitters: PubMed 38816421.